The following is an entry in ClinVar:

ClinVar aggregate classification (germline): Uncertain significance. Review status: criteria provided, multiple submitters, no conflicts (2 of 4 stars). 4 submissions from 4 submitters: Uncertain significance (4). Last evaluated 2025-09-12.

Conditions:
Episodic ataxia type 2 (EA2). Also called: ACETAZOLAMIDE-RESPONSIVE HEREDITARY PAROXYSMAL CEREBELLAR ATAXIA; CEREBELLAR ATAXIA, PAROXYSMAL, ACETAZOLAMIDE-RESPONSIVE; CEREBELLOPATHY, HEREDITARY PAROXYSMAL; EPISODIC ATAXIA, NYSTAGMUS-ASSOCIATED; ATAXIA, EPISODIC, WITH NYSTAGMUS; ATAXIA, FAMILIAL PAROXYSMAL. Identifiers: Orphanet 97, MedGen C1720416, MONDO:0007163, OMIM 108500.
Developmental and epileptic encephalopathy, 42 (DEE42A). Also called: DEVELOPMENTAL AND EPILEPTIC ENCEPHALOPATHY 42A; EPILEPTIC ENCEPHALOPATHY, EARLY INFANTILE, 42A; Epileptic encephalopathy, early infantile, 42. Identifiers: MedGen C4310716, MONDO:0014917, OMIM 617106.

gnomAD v4.1: 1 of 1,592,848 alleles (0.000063%); highest among the groups gnomAD compares: Admixed American, 0.0017%; no homozygotes.

Submissions (4):

Labcorp Genetics (formerly Invitae), Labcorp
Classification: Uncertain significance for Developmental and epileptic encephalopathy, 42; Episodic ataxia type 2. Last evaluated: 2025-09-12. Review status: criteria provided, single submitter. Criteria: Invitae Variant Classification Sherloc (09022015). Collection method: clinical testing. Allele origin: germline.
Comment: This sequence change replaces glycine, which is neutral and non-polar, with arginine, which is basic and polar, at codon 899 of the CACNA1A protein (p.Gly899Arg). This variant is present in population databases (no rsID available, gnomAD 0.003%). This variant has not been reported in the literature in individuals affected with CACNA1A-related conditions. ClinVar contains an entry for this variant (Variation ID: 585558). Invitae Evidence Modeling of protein sequence and biophysical properties (such as structural, functional, and spatial information, amino acid conservation, physicochemical variation, residue mobility, and thermodynamic stability) indicates that this missense variant is not expected to disrupt CACNA1A protein function with a negative predictive value of 95%. In summary, the available evidence is currently insufficient to determine the role of this variant in disease. Therefore, it has been classified as a Variant of Uncertain Significance.

GeneDx
Classification: Uncertain significance. Last evaluated: 2024-09-23. Review status: criteria provided, single submitter. Criteria: GeneDx Variant Classification Process June 2021. Collection method: clinical testing. Allele origin: germline. Affected: yes.
Comment: Not observed at significant frequency in large population cohorts (gnomAD); In silico analysis indicates that this missense variant does not alter protein structure/function; Has not been previously published as pathogenic or benign to our knowledge

New York Genome Center
Classification: Uncertain significance for Developmental and epileptic encephalopathy, 42. Last evaluated: 2021-02-05. Review status: criteria provided, single submitter. Criteria: NYGC Assertion Criteria 2020. Collection method: clinical testing. Allele origin: inherited. Observed: 1 heterozygote. Study: CSER-NYCKidSeq.

Athena Diagnostics
Classification: Uncertain significance. Last evaluated: 2017-11-13. Review status: criteria provided, single submitter. Criteria: Athena Diagnostics Criteria. Collection method: clinical testing. Allele origin: germline.

NM_001127222.2(CACNA1A):c.2692G>C (p.Gly898Arg)

Gene: CACNA1A (calcium voltage-gated channel subunit alpha1 A; minus strand). Cytogenetic location: 19p13.13.
Variant type: single nucleotide variant.
Coding change: c.2692G>C on transcript NM_001127222.2 (MANE Select); coding-DNA position 2692, G replaced by C.
Protein change: p.Gly898Arg; replaces glycine 898 with arginine.
Molecular consequence: missense variant.
Genome position (GRCh38, 1-based): chr19:13,298,941, C>G on the plus strand (G>C on the coding strand, the complement: CACNA1A is on the minus strand). VCF-style: chr19-13298941-C-G. GRCh37 (hg19) VCF-style: chr19-13409755-C-G.
Other names: c.2704G>C, p.Gly902Arg (NM_000068.4, NM_023035.3); c.2695G>C, p.Gly899Arg (NM_001127221.2, NM_001174080.2); short protein forms G899R, G902R, G898R.
Identifiers: ClinVar variation 585558 (VCV000585558.11), dbSNP rs751726770, ClinGen allele CA404342913.